The following is an entry in ClinVar:

NM_001163435.3(TBCK):c.783-12A>T

Gene: TBCK (TBC1 domain containing kinase; minus strand). Cytogenetic location: 4q24.
Variant type: single nucleotide variant.
Coding change: c.783-12A>T on transcript NM_001163435.3 (MANE Select); 12 bases into the intron before coding-DNA position 783, A replaced by T.
Molecular consequence: intron variant.
Genome position (GRCh38, 1-based): chr4:106,247,299, T>A on the plus strand (A>T on the coding strand, the complement: TBCK is on the minus strand). VCF-style: chr4-106247299-T-A. GRCh37 (hg19) VCF-style: chr4-107168456-T-A.
Other names: c.783-12A>T (NM_001163436.4); c.594-12A>T (NM_033115.5); c.666-12A>T (NM_001163437.3); c.267-12A>T (NM_001290768.2).
Identifiers: ClinVar variation 1997229 (VCV001997229.4), dbSNP rs2478125619, ClinGen allele CA2580071353.

ClinVar aggregate classification (germline): Uncertain significance (1 of 4 stars; one submission).

Submission:

Labcorp Genetics (formerly Invitae), Labcorp
Classification: Uncertain significance. Last evaluated: 2022-05-21. Review status: criteria provided, single submitter. Criteria: Invitae Variant Classification Sherloc (09022015). Collection method: clinical testing. Allele origin: germline.
Comment: In summary, the available evidence is currently insufficient to determine the role of this variant in disease. Therefore, it has been classified as a Variant of Uncertain Significance. Algorithms developed to predict the effect of sequence changes on RNA splicing suggest that this variant may create or strengthen a splice site. This variant has not been reported in the literature in individuals affected with TBCK-related conditions. This variant is not present in population databases (gnomAD no frequency). This sequence change falls in intron 9 of the TBCK gene. It does not directly change the encoded amino acid sequence of the TBCK protein.